The following is an entry in ClinVar:

NM_000474.4(TWIST1):c.203G>A (p.Ser68Asn)

Gene: TWIST1 (twist family bHLH transcription factor 1; minus strand). Cytogenetic location: 7p21.1.
Variant type: single nucleotide variant.
Coding change: c.203G>A on transcript NM_000474.4 (MANE Select); coding-DNA position 203, G replaced by A.
Protein change: p.Ser68Asn; replaces serine 68 with asparagine.
Molecular consequence: missense variant. On other transcripts: non-coding transcript variant (1).
Genome position (GRCh38, 1-based): chr7:19,117,119, C>T on the plus strand (G>A on the coding strand, the complement: TWIST1 is on the minus strand). VCF-style: chr7-19117119-C-T. GRCh37 (hg19) VCF-style: chr7-19156742-C-T.
Other names: short protein forms S68N.
Identifiers: ClinVar variation 583158 (VCV000583158.8), dbSNP rs1051003265, ClinGen allele CA367015935.
Genomic context (GRCh38, chr7:19,117,119, plus strand): 5'-CCCGCGCCGCCGCCGCCGCCACAGCCCGCAGACTTCTTGCCGCGCTTGCCCTGGGCCGGG[C>T]TGCCCGGCTCGTCGCCGCCTCCGACGCCCCCACCCGCGGCTCCGCCGGGCCCCGCGCCGC-3'
Protein context (NP_000465.1, residues 58-78): GGVGGGDEPG[Ser68Asn]PAQGKRGKKS

ClinVar aggregate classification (germline): Uncertain significance (1 of 4 stars; one submission).

Conditions:
Saethre-Chotzen syndrome (SCS). Also called: ACROCEPHALY, SKULL ASYMMETRY, AND MILD SYNDACTYLY; ACS III; CHOTZEN SYNDROME. Identifiers: Orphanet 794, MedGen C0175699, MONDO:0007042, OMIM 101400.
TWIST1-related craniosynostosis (CRS1). Also called: CRANIOSYNOSTOSIS 1. Identifiers: Orphanet 63440, MedGen C4551902, MONDO:0007399, OMIM 123100. Inheritance: Heterogenous inheritance pattern.

gnomAD v4.1: 6 of 1,162,346 alleles (0.00052%); highest among the groups gnomAD compares: Non-Finnish European, 0.00064%; no homozygotes.

Submission:

Labcorp Genetics (formerly Invitae), Labcorp
Classification: Uncertain significance for TWIST1-related craniosynostosis; Saethre-Chotzen syndrome. Last evaluated: 2018-06-08. Review status: criteria provided, single submitter. Criteria: Invitae Variant Classification Sherloc (09022015). Collection method: clinical testing. Allele origin: germline.
Comment: In summary, the available evidence is currently insufficient to determine the role of this variant in disease. Therefore, it has been classified as a Variant of Uncertain Significance. This variant has not been reported in the literature in individuals with TWIST1-related disease. While this variant is not present in population databases, the frequency information is unreliable, as metrics indicate poor data quality at this position in the ExAC database. This sequence change replaces serine with asparagine at codon 68 of the TWIST1 protein (p.Ser68Asn). The serine residue is moderately conserved and there is a small physicochemical difference between serine and asparagine.